The following is an entry in ClinVar:

ClinVar aggregate classification (germline): Uncertain significance (1 of 4 stars; one submission).

Conditions:
Inborn genetic diseases. Identifiers: MedGen C0950123, MeSH D030342.

Submission:

Ambry Genetics
Classification: Uncertain significance for Inborn genetic diseases. Last evaluated: 2026-07-06. Review status: criteria provided, single submitter. Criteria: Ambry Variant Classification Scheme 2023. Collection method: clinical testing. Allele origin: germline.
Comment: The p.A142V variant (also known as c.425C>T), located in coding exon 4 of the RUNX1 gene, results from a C to T substitution at nucleotide position 425. The alanine at codon 142 is replaced by valine, an amino acid with similar properties. This amino acid position is conserved. In addition, this alteration is predicted to be deleterious by in silico analysis. Based on the available evidence, the clinical significance of this variant remains unclear.

NM_001754.5(RUNX1):c.425C>T (p.Ala142Val)

Genes: RUNX1-AS1 (RUNX1 antisense RNA 1; plus strand), RUNX1 (RUNX family transcription factor 1; minus strand). Cytogenetic location: 21q22.12.
Variant type: single nucleotide variant.
Coding change: c.425C>T on transcript NM_001754.5 (MANE Select); coding-DNA position 425, C replaced by T.
Protein change: p.Ala142Val; replaces alanine 142 with valine.
Molecular consequence: missense variant.
Genome position (GRCh38, 1-based): chr21:34,880,640, G>A on the plus strand (C>T on the coding strand, the complement: RUNX1 is on the minus strand). VCF-style: chr21-34880640-G-A. GRCh37 (hg19) VCF-style: chr21-36252937-G-A.
Other names: c.344C>T, p.Ala115Val (NM_001001890.3, NM_001122607.2); short protein forms A115V, A142V.
Identifiers: ClinVar variation 5028574 (VCV005028574.1).